The following is an entry in ClinVar:

ClinVar aggregate classification (germline): Benign/Likely benign. Review status: criteria provided, multiple submitters, no conflicts (2 of 4 stars). 4 submissions from 4 submitters: Benign (3); Likely benign (1). Last evaluated 2026-02-04.

Allele frequency attached by ClinVar (database versions not stated): TOPMed 0.01830; gnomAD 0.01923 and 0.02055; 1000 Genomes Project 30x 0.01999; ESP Exome Variant Server 0.01999; 1000 Genomes Project 0.02117; gnomAD exomes 0.02533 and 0.02800; ExAC 0.02564.
gnomAD v4.1: 44,003 of 1,613,268 alleles (2.7%); highest among the groups gnomAD compares: South Asian, 4.8%; 703 homozygotes.

Submissions (4):

Labcorp Genetics (formerly Invitae), Labcorp
Classification: Benign. Last evaluated: 2026-02-04. Review status: criteria provided, single submitter. Criteria: Invitae Variant Classification Sherloc (09022015). Collection method: clinical testing. Allele origin: germline.

Molecular Diagnostic Laboratory for Inherited Cardiovascular Disease, Montreal Heart Institute
Classification: Likely benign. Last evaluated: 2025-04-09. Review status: criteria provided, single submitter. Criteria: ACMG Guidelines, 2015. Collection method: clinical testing. Allele origin: germline. Affected: no.

Mayo Clinic Laboratories, Mayo Clinic
Classification: Benign. Last evaluated: 2023-01-26. Review status: criteria provided, single submitter. Criteria: ACMG Guidelines, 2015. Collection method: clinical testing. Allele origin: germline. Observed: 41 variant alleles.
Comment: BA1, BP4_strong

Breakthrough Genomics
Classification: Benign. Review status: criteria provided, single submitter. Criteria: ACMG Guidelines, 2015. Collection method: not provided. Allele origin: germline. Inheritance: Autosomal recessive inheritance. Affected: yes.

NM_001792.5(CDH2):c.2534A>G (p.Asn845Ser)

Genes: CDH2 (cadherin 2; minus strand), CDH2-AS1 (CDH2 antisense RNA 1; plus strand). Cytogenetic location: 18q12.1.
Variant type: single nucleotide variant.
Coding change: c.2534A>G on transcript NM_001792.5 (MANE Select); coding-DNA position 2534, A replaced by G.
Protein change: p.Asn845Ser; replaces asparagine 845 with serine.
Molecular consequence: missense variant.
Genome position (GRCh38, 1-based): chr18:27,952,340, T>C on the plus strand (A>G on the coding strand, the complement: CDH2 is on the minus strand). VCF-style: chr18-27952340-T-C. GRCh37 (hg19) VCF-style: chr18-25532304-T-C.
Other names: p.Asn845Ser; c.2441A>G, p.Asn814Ser (NM_001308176.2); short protein forms N814S, N845S.
Identifiers: ClinVar variation 1566047 (VCV001566047.11), dbSNP rs2289664, ClinGen allele CA8923110.